The following is an entry in ClinVar:

NM_001291415.2(KDM6A):c.2857A>C (p.Arg953=)

Gene: KDM6A (lysine demethylase 6A; plus strand). Cytogenetic location: Xp11.3.
Variant type: single nucleotide variant.
Coding change: c.2857A>C on transcript NM_001291415.2 (MANE Select); coding-DNA position 2857, A replaced by C.
Protein change: p.Arg953=; no amino-acid change (arginine 953 retained).
Molecular consequence: synonymous variant. On other transcripts: non-coding transcript variant (1).
Genome position (GRCh38, 1-based): chrX:45,070,356, A>C. VCF-style: chrX-45070356-A-C. GRCh37 (hg19) VCF-style: chrX-44929601-A-C.
Other names: c.2722A>C, p.Arg908= (NM_001291416.2, NM_001419811.1); c.2566A>C, p.Arg856= (NM_001291417.2); c.2464A>C, p.Arg822= (NM_001291418.2, NM_001419815.1); c.1813A>C, p.Arg605= (NM_001291421.2); c.2599A>C, p.Arg867= (NM_001410742.1, NM_001419814.1); c.2857A>C, p.Arg953= (NM_001419809.1); c.2755A>C, p.Arg919= (NM_001419810.1, NM_001419813.1); c.2701A>C, p.Arg901= (NM_001419812.1, NM_021140.4).
Identifiers: ClinVar variation 4281939 (VCV004281939.1).

ClinVar aggregate classification (germline): Uncertain significance (1 of 4 stars; one submission).

gnomAD v4.1: 1 of 1,205,301 alleles (0.000083%); highest among the groups gnomAD compares: African/African-American, 0.0017%; no homozygotes.

Submission:

GeneDx
Classification: Uncertain significance. Last evaluated: 2025-04-08. Review status: criteria provided, single submitter. Criteria: GeneDx Variant Classification Process June 2021. Collection method: clinical testing. Allele origin: germline. Affected: yes.
Comment: Not observed at significant frequency in large population cohorts (gnomAD); In silico analysis supports a deleterious effect on splicing; Has not been previously published as pathogenic or benign to our knowledge